The following is an entry in ClinVar:

NM_005996.4(TBX3):c.700A>G (p.Ile234Val)

Gene: TBX3 (T-box transcription factor 3; minus strand). Cytogenetic location: 12q24.21.
Variant type: single nucleotide variant.
Coding change: c.700A>G on transcript NM_005996.4 (MANE Select); coding-DNA position 700, A replaced by G.
Protein change: p.Ile234Val; replaces isoleucine 234 with valine.
Molecular consequence: missense variant.
Genome position (GRCh38, 1-based): chr12:114,679,609, T>C on the plus strand (A>G on the coding strand, the complement: TBX3 is on the minus strand). VCF-style: chr12-114679609-T-C. GRCh37 (hg19) VCF-style: chr12-115117414-T-C.
Other names: c.760A>G, p.Ile254Val (NM_016569.4); c.760A>G (NM_016569.3); short protein forms I234V, I254V.
Identifiers: ClinVar variation 307373 (VCV000307373.15), dbSNP rs117465019, ClinGen allele CA6810107.

ClinVar aggregate classification (germline): Conflicting classifications of pathogenicity. Review status: criteria provided, conflicting classifications (1 of 4 stars). 5 submissions from 5 submitters: Uncertain significance (2); Benign (1); Likely benign (1). 1 of the submissions does not count toward it. Last evaluated 2026-01-11.

Conditions:
TBX3-related disorder. Also called: TBX3-related condition.
Ulnar-mammary syndrome (UMS). Also called: SCHINZEL SYNDROME; Ulnar-mammary syndrome of Pallister; PALLISTER ULNAR-MAMMARY SYNDROME. Identifiers: Orphanet 3138, MedGen C1866994, MONDO:0008411, OMIM 181450.

Allele frequency attached by ClinVar (database versions not stated): ExAC 0.00014; TOPMed 0.00016; gnomAD exomes 0.00018 and 0.00028; gnomAD 0.00021 and 0.00023; ESP Exome Variant Server 0.00023; 1000 Genomes Project 0.00040; 1000 Genomes Project 30x 0.00062.
gnomAD v4.1: 439 of 1,614,150 alleles (0.027%); highest among the groups gnomAD compares: Non-Finnish European, 0.036%; no homozygotes.

Submissions (5):

Labcorp Genetics (formerly Invitae), Labcorp
Classification: Uncertain significance for Ulnar-mammary syndrome. Last evaluated: 2026-01-11. Review status: criteria provided, single submitter. Criteria: Invitae Variant Classification Sherloc (09022015). Collection method: clinical testing. Allele origin: germline.
Comment: This sequence change replaces isoleucine, which is neutral and non-polar, with valine, which is neutral and non-polar, at codon 234 of the TBX3 protein (p.Ile234Val). This variant is present in population databases (rs117465019, gnomAD 0.04%), and has an allele count higher than expected for a pathogenic variant. This variant has not been reported in the literature in individuals affected with TBX3-related conditions. ClinVar contains an entry for this variant (Variation ID: 307373). An algorithm developed to predict the effect of missense changes on protein structure and function (PolyPhen-2) suggests that this variant is likely to be tolerated. In summary, the available evidence is currently insufficient to determine the role of this variant in disease. Therefore, it has been classified as a Variant of Uncertain Significance.

Department of Pathology and Laboratory Medicine, Sinai Health System
Classification: Likely benign for Ulnar-mammary syndrome. Last evaluated: 2020-07-20. Review status: criteria provided, single submitter. Criteria: ACMG Guidelines, 2015. Collection method: research. Allele origin: germline.

Revvity Omics, Revvity
Classification: Uncertain significance for Ulnar-mammary syndrome. Last evaluated: 2019-10-08. Review status: criteria provided, single submitter. Criteria: ACMG Guidelines, 2015. Collection method: clinical testing. Allele origin: germline.

Illumina Laboratory Services, Illumina
Classification: Benign for Ulnar-mammary syndrome. Last evaluated: 2018-01-12. Review status: criteria provided, single submitter. Criteria: ICSL Variant Classification Criteria 13 December 2019. Collection method: clinical testing. Allele origin: germline.
Comment: This variant was observed in the ICSL laboratory as part of a predisposition screen in an ostensibly healthy population. It had not been previously curated by ICSL or reported in the Human Gene Mutation Database (HGMD: prior to June 1st, 2018), and was therefore a candidate for classification through an automated scoring system. Utilizing variant allele frequency, disease prevalence and penetrance estimates, and inheritance mode, an automated score was calculated to assess if this variant is too frequent to cause the disease. Based on the score and internal cut-off values, a variant classified as benign is not then subjected to further curation. The score for this variant resulted in a classification of benign for this disease.

PreventionGenetics, part of Exact Sciences
Classification: Likely benign for TBX3-related condition. Last evaluated: 2021-08-02. Review status: no assertion criteria provided. Collection method: clinical testing. Allele origin: germline. Not counted in ClinVar's aggregate classification.
Comment: This variant is classified as likely benign based on ACMG/AMP sequence variant interpretation guidelines (Richards et al. 2015 PMID: 25741868, with internal and published modifications).